The following is an entry in ClinVar:

NM_005862.3(STAG1):c.1150G>C (p.Asp384His)

Gene: STAG1 (STAG1 cohesin complex component; minus strand). Cytogenetic location: 3q22.3.
Variant type: single nucleotide variant.
Coding change: c.1150G>C on transcript NM_005862.3 (MANE Select); coding-DNA position 1150, G replaced by C.
Protein change: p.Asp384His; replaces aspartic acid 384 with histidine.
Molecular consequence: missense variant.
Genome position (GRCh38, 1-based): chr3:136,472,468, C>G on the plus strand (G>C on the coding strand, the complement: STAG1 is on the minus strand). VCF-style: chr3-136472468-C-G. GRCh37 (hg19) VCF-style: chr3-136191310-C-G.
Other names: short protein forms D384H.
Identifiers: ClinVar variation 393236 (VCV000393236.4), dbSNP rs1057524850, ClinGen allele CA16604371.

ClinVar aggregate classification (germline): Likely pathogenic (1 of 4 stars; one submission).

Conditions:
STAG1-related disorder. Also called: STAG1-related disorders.

Submission:

GeneDx
Classification: Likely pathogenic. Last evaluated: 2019-05-23. Review status: criteria provided, single submitter. Criteria: GeneDx Variant Classification Process June 2021. Collection method: clinical testing. Allele origin: germline. Affected: yes.
Comment: Not observed in large population cohorts (Lek et al., 2016); In silico analysis, which includes protein predictors and evolutionary conservation, supports a deleterious effect; Has not been previously published as pathogenic or benign to our knowledge